The following is an entry in ClinVar:

NM_001126128.2(PROK2):c.161G>A (p.Ser54Asn)

Gene: PROK2 (prokineticin 2; minus strand). Cytogenetic location: 3p13.
Variant type: single nucleotide variant.
Coding change: c.161G>A on transcript NM_001126128.2 (MANE Select); coding-DNA position 161, G replaced by A.
Protein change: p.Ser54Asn; replaces serine 54 with asparagine.
Molecular consequence: missense variant.
Genome position (GRCh38, 1-based): chr3:71,781,528, C>T on the plus strand (G>A on the coding strand, the complement: PROK2 is on the minus strand). VCF-style: chr3-71781528-C-T. GRCh37 (hg19) VCF-style: chr3-71830679-C-T.
Other names: c.161G>A, p.Ser54Asn (NM_021935.4); short protein forms S54N.
Identifiers: ClinVar variation 4977002 (VCV004977002.1).

ClinVar aggregate classification (germline): Uncertain significance (1 of 4 stars; one submission).

Conditions:
PROK2-related disorder. Also called: PROK2-related condition.

gnomAD v4.1: 9 of 1,613,538 alleles (0.00056%); highest among the groups gnomAD compares: Non-Finnish European, 0.00076%; no homozygotes.

Submission:

PreventionGenetics, part of Exact Sciences
Classification: Uncertain significance for PROK2-related condition. Last evaluated: 2024-12-17. Review status: criteria provided, single submitter. Criteria: ACMG Guidelines, 2015. Collection method: clinical testing. Allele origin: germline.
Comment: The PROK2 c.161G>A variant is predicted to result in the amino acid substitution p.Ser54Asn. This variant affects a highly conserved residue and has been reported in two individuals diagnosed with Kallmann syndrome (Supplemental Table 4, Dodé et al. 2009. PubMed ID: 18985070; Sarfati et al. 2009. PubMed ID: 20022991). This variant is reported in 0.0015% of alleles in individuals of European (Non-Finnish) descent in gnomAD. At this time, the clinical significance of this variant is uncertain due to the absence of conclusive functional and genetic evidence.